The following is an entry in ClinVar:

NM_015213.4(DENND5A):c.891T>G (p.Asn297Lys)

Gene: DENND5A (DENN domain containing 5A; minus strand). Cytogenetic location: 11p15.4.
Variant type: single nucleotide variant.
Coding change: c.891T>G on transcript NM_015213.4 (MANE Select); coding-DNA position 891, T replaced by G.
Protein change: p.Asn297Lys; replaces asparagine 297 with lysine.
Molecular consequence: missense variant. On other transcripts: non-coding transcript variant (1).
Genome position (GRCh38, 1-based): chr11:9,203,718, A>C on the plus strand (T>G on the coding strand, the complement: DENND5A is on the minus strand). VCF-style: chr11-9203718-A-C. GRCh37 (hg19) VCF-style: chr11-9225265-A-C.
Other names: c.891T>G, p.Asn297Lys (NM_001243254.2, NM_001348748.1); c.819T>G, p.Asn273Lys (NM_001348749.2); c.603T>G, p.Asn201Lys (NM_001348750.2); short protein forms N297K, N201K, N273K.
Identifiers: ClinVar variation 2053552 (VCV002053552.4), dbSNP rs2493906559, ClinGen allele CA379597008.

ClinVar aggregate classification (germline): Uncertain significance (1 of 4 stars; one submission).

Submission:

Labcorp Genetics (formerly Invitae), Labcorp
Classification: Uncertain significance. Last evaluated: 2022-01-28. Review status: criteria provided, single submitter. Criteria: Invitae Variant Classification Sherloc (09022015). Collection method: clinical testing. Allele origin: germline.
Comment: This variant has not been reported in the literature in individuals affected with DENND5A-related conditions. Algorithms developed to predict the effect of missense changes on protein structure and function are either unavailable or do not agree on the potential impact of this missense change (SIFT: "Tolerated"; PolyPhen-2: "Possibly Damaging"; Align-GVGD: "Class C0"). In summary, the available evidence is currently insufficient to determine the role of this variant in disease. Therefore, it has been classified as a Variant of Uncertain Significance. This variant is not present in population databases (gnomAD no frequency). This sequence change replaces asparagine, which is neutral and polar, with lysine, which is basic and polar, at codon 297 of the DENND5A protein (p.Asn297Lys).